The following is an entry in ClinVar:

NM_012079.6(DGAT1):c.814C>T (p.Arg272Cys)

Gene: DGAT1 (diacylglycerol O-acyltransferase 1; minus strand). Cytogenetic location: 8q24.3.
Variant type: single nucleotide variant.
Coding change: c.814C>T on transcript NM_012079.6 (MANE Select); coding-DNA position 814, C replaced by T.
Protein change: p.Arg272Cys; replaces arginine 272 with cysteine.
Molecular consequence: missense variant.
Genome position (GRCh38, 1-based): chr8:144,317,955, G>A on the plus strand (C>T on the coding strand, the complement: DGAT1 is on the minus strand). VCF-style: chr8-144317955-G-A. GRCh37 (hg19) VCF-style: chr8-145541618-G-A.
Other names: short protein forms R272C.
Identifiers: ClinVar variation 1402318 (VCV001402318.5), dbSNP rs782553235, ClinGen allele CA4936831.

ClinVar aggregate classification (germline): Uncertain significance (1 of 4 stars; one submission).

Allele frequency attached by ClinVar (database versions not stated): gnomAD 0.00003 and 0.00004; gnomAD exomes 0.00003; TOPMed 0.00005; ExAC 0.00003.

Submission:

Labcorp Genetics (formerly Invitae), Labcorp
Classification: Uncertain significance. Last evaluated: 2021-08-27. Review status: criteria provided, single submitter. Criteria: Invitae Variant Classification Sherloc (09022015). Collection method: clinical testing. Allele origin: germline.
Comment: This sequence change replaces arginine with cysteine at codon 272 of the DGAT1 protein (p.Arg272Cys). The arginine residue is highly conserved and there is a large physicochemical difference between arginine and cysteine. This variant is present in population databases (rs782553235, ExAC 0.02%). This variant has not been reported in the literature in individuals affected with DGAT1-related conditions. Algorithms developed to predict the effect of missense changes on protein structure and function are either unavailable or do not agree on the potential impact of this missense change (SIFT: "Deleterious"; PolyPhen-2: "Possibly Damaging"; Align-GVGD: "Class C15"). In summary, the available evidence is currently insufficient to determine the role of this variant in disease. Therefore, it has been classified as a Variant of Uncertain Significance.